The following is an entry in ClinVar:

ClinVar aggregate classification (germline): Benign/Likely benign. Review status: criteria provided, multiple submitters, no conflicts (2 of 4 stars). 3 submissions from 3 submitters: Benign (1); Likely benign (2). Last evaluated 2024-11-11.

Conditions:
Renal cell carcinoma. Identifiers: Orphanet 217071, MedGen C0007134, MeSH D002292, MONDO:0005086, HP:0005584.
Hereditary cancer-predisposing syndrome. Also called: Hereditary Cancer Syndrome; Hereditary neoplastic syndrome; Tumor predisposition; Neoplastic Syndromes, Hereditary. Identifiers: Orphanet 140162, MedGen C0027672, MeSH D009386, MONDO:0015356.
Papillary renal cell carcinoma type 1 (RCCP1). Also called: RENAL CELL CARCINOMA, PAPILLARY, 1, SOMATIC; Renal adenocarcinoma; Renal cell carcinoma 1; Renal cell carcinoma, somatic. Identifiers: Orphanet 47044, MedGen C1336839, OMIM 605074, HP:0011797.

Submissions (3):

Myriad Genetics, Inc.
Classification: Benign for Papillary renal cell carcinoma type 1. Last evaluated: 2024-11-11. Review status: criteria provided, single submitter. Criteria: Myriad Autosomal Dominant, Autosomal Recessive and X-Linked Classification Criteria (2023). Collection method: clinical testing. Allele origin: unknown.
Comment: This variant is considered benign. This variant is a silent/synonymous amino acid change and it is not expected to impact splicing.

Labcorp Genetics (formerly Invitae), Labcorp
Classification: Likely benign for Renal cell carcinoma. Last evaluated: 2022-11-14. Review status: criteria provided, single submitter. Criteria: Invitae Variant Classification Sherloc (09022015). Collection method: clinical testing. Allele origin: germline.

Ambry Genetics
Classification: Likely benign for Hereditary cancer-predisposing syndrome. Last evaluated: 2021-12-05. Review status: criteria provided, single submitter. Criteria: Ambry Variant Classification Scheme 2023. Collection method: clinical testing. Allele origin: germline.

NM_000245.4(MET):c.2322A>G (p.Arg774=)

Gene: MET (MET proto-oncogene, receptor tyrosine kinase; plus strand). Cytogenetic location: 7q31.2.
Variant type: single nucleotide variant.
Coding change: c.2322A>G on transcript NM_000245.4 (MANE Select); coding-DNA position 2322, A replaced by G.
Protein change: p.Arg774=; no amino-acid change (arginine 774 retained).
Molecular consequence: synonymous variant.
Genome position (GRCh38, 1-based): chr7:116,759,448, A>G. VCF-style: chr7-116759448-A-G. GRCh37 (hg19) VCF-style: chr7-116399502-A-G.
Other names: c.2376A>G, p.Arg792= (NM_001127500.3); c.2322A>G, p.Arg774= (NM_001324401.3); c.1032A>G, p.Arg344= (NM_001324402.2).
Identifiers: ClinVar variation 1790354 (VCV001790354.6), dbSNP rs2116938491, ClinGen allele CA457217292.
Genomic context (GRCh38, chr7:116,759,448, plus strand): 5'-CAGTGGTGGGAGCACAATAACAGGTGTTGGGAAAAACCTGAATTCAGTTAGTGTCCCGAG[A>G]ATGGTCATAAATGTGCATGAAGCAGGAAGGAACTTTACAGTGGTAAGTCCTTTGAGCAAT-3'
Protein context (NP_000236.2, residues 764-784): GKNLNSVSVP[Arg774=]MVINVHEAGR